The following is an entry in ClinVar:

NM_002617.4(PEX10):c.408_423dup (p.Arg142fs)

Gene: PEX10 (peroxisomal biogenesis factor 10; minus strand). Cytogenetic location: 1p36.32.
Variant type: Duplication.
Coding change: c.408_423dup on transcript NM_002617.4 (MANE Select); coding-DNA positions 408 to 423, 16 bases duplicated (TGGCTGCTCAGGGGCG).
Protein change: p.Arg142fs; shifts the reading frame from arginine 142.
Molecular consequence: frameshift variant. On other transcripts: 5 prime UTR variant (2), non-coding transcript variant (1).
Genome position (GRCh38, 1-based): chr1:2,408,629-2,408,644, CGCCCCTGAGCAGCCA duplicated on the plus strand (TGGCTGCTCAGGGGCG on the coding strand, the reverse complement: PEX10 is on the minus strand); duplicating any 16 consecutive bases within chr1:2,408,629-2,408,649 gives the same sequence; the c. name uses the placement nearest the transcript's 3' end. VCF-style (leftmost placement, unchanged base first): chr1-2408628-G-GCGCCCCTGAGCAGCCA. GRCh37 (hg19) VCF-style: chr1-2340067-G-GCGCCCCTGAGCAGCCA.
Other names: c.408_423dup, p.Arg142fs (NM_001374425.1, NM_153818.2); c.-25_-10dup (NM_001374426.1, NM_001374427.1); short protein forms R142fs.
Identifiers: ClinVar variation 2677650 (VCV002677650.4), dbSNP rs2522277539, ClinGen allele CA2695197951.

ClinVar aggregate classification (germline): Pathogenic/Likely pathogenic. Review status: criteria provided, multiple submitters, no conflicts (2 of 4 stars). 2 submissions from 2 submitters: Pathogenic (1); Likely pathogenic (1). Last evaluated 2023-09-06.

Conditions:
Peroxisome biogenesis disorder, complementation group 7 (CG7). Also called: Peroxisome biogenesis disorder, complementation group B. Identifiers: MedGen C1864399.
Peroxisome biogenesis disorder 6A (Zellweger). Also called: Peroxisome biogenesis disorder 6A. Identifiers: Orphanet 912, MedGen C3553947, MONDO:0013936, OMIM 614870.

Submissions (2):

Baylor Genetics
Classification: Likely pathogenic for Peroxisome biogenesis disorder 6A (Zellweger). Last evaluated: 2023-09-06. Review status: criteria provided, single submitter. Criteria: ACMG Guidelines, 2015. Collection method: clinical testing. Allele origin: unknown.

Labcorp Genetics (formerly Invitae), Labcorp
Classification: Pathogenic for Peroxisome biogenesis disorder, complementation group 7. Last evaluated: 2023-05-31. Review status: criteria provided, single submitter. Criteria: Invitae Variant Classification Sherloc (09022015). Collection method: clinical testing. Allele origin: germline.
Comment: This sequence change creates a premature translational stop signal (p.Arg142Trpfs*18) in the PEX10 gene. It is expected to result in an absent or disrupted protein product. Loss-of-function variants in PEX10 are known to be pathogenic (PMID: 9683594, 10862081, 21031596). This variant is not present in population databases (gnomAD no frequency). This variant has not been reported in the literature in individuals affected with PEX10-related conditions. For these reasons, this variant has been classified as Pathogenic.

Literature cited by the submitters: PubMed 9683594 (cited by Labcorp Genetics (formerly Invitae), Labcorp); PubMed 10862081 (cited by Labcorp Genetics (formerly Invitae), Labcorp); PubMed 21031596 (cited by Labcorp Genetics (formerly Invitae), Labcorp).